The following is an entry in ClinVar:

ClinVar aggregate classification (germline): Pathogenic (1 of 4 stars; one submission).

Conditions:
Cryptosporidiosis-chronic cholangitis-liver disease syndrome. Also called: Immunodeficiency type 56; IL21R immunodeficiency. Identifiers: Orphanet 357329, MedGen C3554687, MONDO:0014082, OMIM 615207.

Submission:

Labcorp Genetics (formerly Invitae), Labcorp
Classification: Pathogenic for Cryptosporidiosis-chronic cholangitis-liver disease syndrome. Last evaluated: 2022-03-01. Review status: criteria provided, single submitter. Criteria: Invitae Variant Classification Sherloc (09022015). Collection method: clinical testing. Allele origin: germline.
Comment: For these reasons, this variant has been classified as Pathogenic. This variant has not been reported in the literature in individuals affected with IL21R-related conditions. This variant is not present in population databases (gnomAD no frequency). This sequence change creates a premature translational stop signal (p.Leu10Alafs*47) in the IL21R gene. It is expected to result in an absent or disrupted protein product. Loss-of-function variants in IL21R are known to be pathogenic (PMID: 23440042).

Literature cited by the submitters: PubMed 23440042.

NM_181078.3(IL21R):c.27dup (p.Leu10fs)

Gene: IL21R (interleukin 21 receptor; plus strand). Cytogenetic location: 16p12.1.
Variant type: Duplication.
Coding change: c.27dup on transcript NM_181078.3 (MANE Select); coding-DNA position 27, one base duplicated (G; older notation c.27dupG).
Protein change: p.Leu10fs; shifts the reading frame from leucine 10.
Molecular consequence: frameshift variant.
Genome position (GRCh38, 1-based): chr16:27,430,098, G duplicated. VCF-style (leftmost placement, unchanged base first): chr16-27430097-T-TG. GRCh37 (hg19) VCF-style: chr16-27441418-T-TG.
Other names: c.27dup, p.Leu10fs (NM_021798.4); c.93dup, p.Leu32fs (NM_181079.5); short protein forms L10fs, L32fs.
Identifiers: ClinVar variation 2105229 (VCV002105229.4), dbSNP rs2543346495, ClinGen allele CA2580091303.